The following is an entry in ClinVar:

NM_001035.3(RYR2):c.9442G>A (p.Val3148Met)

Gene: RYR2 (ryanodine receptor 2; plus strand). Cytogenetic location: 1q43.
Variant type: single nucleotide variant.
Coding change: c.9442G>A on transcript NM_001035.3 (MANE Select); coding-DNA position 9442, G replaced by A.
Protein change: p.Val3148Met; replaces valine 3148 with methionine.
Molecular consequence: missense variant.
Genome position (GRCh38, 1-based): chr1:237,702,052, G>A. VCF-style: chr1-237702052-G-A. GRCh37 (hg19) VCF-style: chr1-237865352-G-A.
Other names: short protein forms V3148M.
Identifiers: ClinVar variation 229226 (VCV000229226.33), dbSNP rs876657994, ClinGen allele CA10576409.
Genomic context (GRCh38, chr1:237,702,052, plus strand): 5'-GTGTCTTGTTATAGAATTCTGACTAGCTTATATGCTTTGGGAACCAGCAAGAGTATTTAC[G>A]TGGAGAGGTAAGAATGTTTAAAGTTTAACTTTGTATTAATTGCTGCTTCAAGTTTTATAA-3'
Protein context (NP_001026.2, residues 3138-3158): YALGTSKSIY[Val3148Met]ERQRSALGEC

ClinVar aggregate classification (germline): Conflicting classifications of pathogenicity. Review status: criteria provided, conflicting classifications (1 of 4 stars). 9 submissions from 9 submitters: Uncertain significance (6); Likely benign (2). 1 of the submissions does not count toward it. Last evaluated 2026-10-26.

Conditions:
Catecholaminergic polymorphic ventricular tachycardia (CVPT). Also called: Catecholamine-induced polymorphic ventricular tachycardia. Identifiers: Orphanet 3286, MedGen C5574922, MONDO:0017990.
Cardiomyopathy (CMYO). Also called: Cardiomyopathies. Identifiers: Orphanet 167848, MedGen C0878544, MONDO:0004994, HP:0001638. Inheritance: Various modes of inheritance.
Arrhythmogenic right ventricular dysplasia 2. Identifiers: MedGen C1832931.
Ventricular arrhythmias due to cardiac ryanodine receptor calcium release deficiency syndrome. Also called: Autosomal dominant cardiac arrhythmia (Kuhn). Identifiers: MedGen C5542154, MONDO:0020745, OMIM 115000.
Catecholaminergic polymorphic ventricular tachycardia 1. Also called: VENTRICULAR TACHYCARDIA, CATECHOLAMINERGIC POLYMORPHIC, 1, WITH OR WITHOUT ATRIAL DYSFUNCTION AND/OR DILATED CARDIOMYOPATHY; RYR2-Related Catecholaminergic Polymorphic Ventricular Tachycardia; VENTRICULAR TACHYCARDIA, STRESS-INDUCED POLYMORPHIC 1. Identifiers: Orphanet 3286, MedGen C1631597, MONDO:0011484, OMIM 604772.
RYR2-related disorder. Also called: RYR2-related condition.
Cardiovascular phenotype. Identifiers: MedGen CN230736.

Allele frequency attached by ClinVar (database versions not stated): gnomAD exomes 0.00001; gnomAD 0.00002; TOPMed 0.00002.
gnomAD v4.1: 42 of 1,580,422 alleles (0.0027%); highest among the groups gnomAD compares: Non-Finnish European, 0.0036%; no homozygotes.

Submissions (9):

GeneDx
Classification: Uncertain significance. Last evaluated: 2026-10-26. Review status: criteria provided, single submitter. Criteria: GeneDx Variant Classification Process June 2021. Collection method: clinical testing. Allele origin: germline.
Comment: Not observed at significant frequency in large population cohorts (gnomAD); In silico analysis suggests that this missense variant does not alter protein structure/function; Has not been previously published as pathogenic or benign to our knowledge

Labcorp Genetics (formerly Invitae), Labcorp
Classification: Likely benign for Catecholaminergic polymorphic ventricular tachycardia 1. Last evaluated: 2024-09-23. Review status: criteria provided, single submitter. Criteria: Invitae Variant Classification Sherloc (09022015). Collection method: clinical testing. Allele origin: germline.

Blueprint Genetics
Classification: Likely benign. Last evaluated: 2024-08-29. Review status: criteria provided, single submitter. Criteria: ACMG Guidelines, 2015. Collection method: clinical testing. Allele origin: germline.

All of Us Research Program, National Institutes of Health
Classification: Uncertain significance for Catecholaminergic polymorphic ventricular tachycardia. Last evaluated: 2024-06-09. Review status: criteria provided, single submitter. Criteria: ACMG Guidelines, 2015. Collection method: clinical testing. Allele origin: germline. Inheritance: Autosomal dominant inheritance. Observed: 9 variant alleles, 9 heterozygotes.
Comment: This missense variant replaces valine with methionine at codon 3148 of the RYR2 protein. Computational prediction suggests that this variant may not impact protein structure and function (internally defined REVEL score threshold <= 0.5, PMID: 27666373). To our knowledge, functional studies have not been reported for this variant. This variant has not been reported in individuals affected with RYR2-related disorders in the literature. This variant has been identified in 3/247610 chromosomes in the general population by the Genome Aggregation Database (gnomAD). The available evidence is insufficient to determine the role of this variant in disease conclusively. Therefore, this variant is classified as a Variant of Uncertain Significance.

This study involves interpretation of variants in research participants for the purpose of population health screening. Participant phenotype was not available at the time of variant classification. Additional details can be found in publication PMID: 35346344, PMCID: PMC8962531

Color Diagnostics, LLC DBA Color Health
Classification: Uncertain significance for Cardiomyopathy. Last evaluated: 2024-05-30. Review status: criteria provided, single submitter. Criteria: ACMG Guidelines, 2015. Collection method: clinical testing. Allele origin: germline.
Comment: This missense variant replaces valine with methionine at codon 3148 of the RYR2 protein. Computational prediction suggests that this variant may not impact protein structure and function (internally defined REVEL score threshold <= 0.5, PMID: 27666373). To our knowledge, functional studies have not been reported for this variant. This variant has not been reported in individuals affected with RYR2-related disorders in the literature. This variant has been identified in 3/247610 chromosomes in the general population by the Genome Aggregation Database (gnomAD). The available evidence is insufficient to determine the role of this variant in disease conclusively. Therefore, this variant is classified as a Variant of Uncertain Significance.

Ambry Genetics
Classification: Uncertain significance for Cardiovascular phenotype. Last evaluated: 2021-12-01. Review status: criteria provided, single submitter. Criteria: Ambry Variant Classification Scheme 2023. Collection method: clinical testing. Allele origin: germline.
Comment: The p.V3148M variant (also known as c.9442G>A), located in coding exon 66 of the RYR2 gene, results from a G to A substitution at nucleotide position 9442. The valine at codon 3148 is replaced by methionine, an amino acid with highly similar properties. This amino acid position is highly conserved in available vertebrate species. In addition, the in silico prediction for this alteration is inconclusive. Since supporting evidence is limited at this time, the clinical significance of this alteration remains unclear.

Fulgent Genetics
Classification: Uncertain significance for Ventricular arrhythmias due to cardiac ryanodine receptor calcium release deficiency syndrome; Catecholaminergic polymorphic ventricular tachycardia 1. Last evaluated: 2021-09-23. Review status: criteria provided, single submitter. Criteria: ACMG Guidelines, 2015. Collection method: clinical testing. Allele origin: unknown.

Laboratory for Molecular Medicine, Mass General Brigham Personalized Medicine
Classification: Uncertain significance. Last evaluated: 2015-09-10. Review status: criteria provided, single submitter. Criteria: LMM Criteria. Collection method: clinical testing. Allele origin: germline. Observed: 1 variant allele.
Comment: The p.Val3148Met variant in RYR2 has not been previously reported in individuals with cardiomyopathy or in large population studies. Computational prediction to ols and conservation analysis do not provide strong support for or against an im pact to the protein. In summary, the clinical significance of the p.Val3148Met v ariant is uncertain.

PreventionGenetics, part of Exact Sciences
Classification: Uncertain significance for RYR2-related condition. Last evaluated: 2024-09-24. Review status: no assertion criteria provided. Collection method: clinical testing. Allele origin: germline. Not counted in ClinVar's aggregate classification.
Comment: The RYR2 c.9442G>A variant is predicted to result in the amino acid substitution p.Val3148Met. To our knowledge, this variant has not been reported in the literature. This variant is reported in 0.0065% of alleles in individuals of African descent in gnomAD. At this time, the clinical significance of this variant is uncertain due to the absence of conclusive functional and genetic evidence.